The following is an entry in ClinVar:

ClinVar aggregate classification (germline): Likely benign (1 of 4 stars; one submission).

Conditions:
KSR2-related disorder. Also called: KSR2-related condition.

gnomAD v4.1: 67 of 1,613,202 alleles (0.0042%); highest among the groups gnomAD compares: Non-Finnish European, 0.0056%; no homozygotes.

Submission:

PreventionGenetics, part of Exact Sciences
Classification: Likely benign for KSR2-related condition. Last evaluated: 2025-04-21. Review status: criteria provided, single submitter. Criteria: ACMG Guidelines, 2015. Collection method: clinical testing. Allele origin: germline.
Comment: This variant is classified as likely benign based on ACMG/AMP sequence variant interpretation guidelines (Richards et al. 2015 PMID: 25741868, with internal and published modifications).

NM_173598.6(KSR2):c.1074G>A (p.Pro358=)

Gene: KSR2 (kinase suppressor of ras 2; minus strand). Cytogenetic location: 12q24.22.
Variant type: single nucleotide variant.
Coding change: c.1074G>A on transcript NM_173598.6 (MANE Select); coding-DNA position 1074, G replaced by A.
Protein change: p.Pro358=; no amino-acid change (proline 358 retained).
Molecular consequence: synonymous variant.
Genome position (GRCh38, 1-based): chr12:117,667,571, C>T on the plus strand (G>A on the coding strand, the complement: KSR2 is on the minus strand). VCF-style: chr12-117667571-C-T. GRCh37 (hg19) VCF-style: chr12-118105376-C-T.
Identifiers: ClinVar variation 4989222 (VCV004989222.1).
Genomic context (GRCh38, chr12:117,667,571, plus strand): 5'-GGAAGGCAGGAAAGGTGCGTGTCCCACAAAGAAGGAGCGGAGGGAGCGCTCGGACAGCAG[C>T]GGGGAGCGCTGCTGAGAGGGGATGTTCTCGCAGCTGCCTACGCTGCTGTGGATCTTGAGG-3'
Protein context (NP_775869.4, residues 348-368): CENIPSQQRS[Pro358=]LLSERSLRSF